The following is an entry in ClinVar:

ClinVar aggregate classification (germline): Uncertain significance. Review status: criteria provided, multiple submitters, no conflicts (2 of 4 stars). 2 submissions from 2 submitters: Uncertain significance (2). Last evaluated 2024-10-14.

Allele frequency attached by ClinVar (database versions not stated): gnomAD 0.00001; gnomAD exomes 0.00001.
gnomAD v4.1: 12 of 1,612,190 alleles (0.00074%); highest among the groups gnomAD compares: South Asian, 0.0033%; 1 homozygote.

Submissions (2):

Labcorp Genetics (formerly Invitae), Labcorp
Classification: Uncertain significance. Last evaluated: 2024-10-14. Review status: criteria provided, single submitter. Criteria: Invitae Variant Classification Sherloc (09022015). Collection method: clinical testing. Allele origin: germline.
Comment: This sequence change replaces leucine, which is neutral and non-polar, with phenylalanine, which is neutral and non-polar, at codon 496 of the IARS2 protein (p.Leu496Phe). This variant is present in population databases (no rsID available, gnomAD 0.006%), including at least one homozygous and/or hemizygous individual. This variant has not been reported in the literature in individuals affected with IARS2-related conditions. ClinVar contains an entry for this variant (Variation ID: 1443647). An algorithm developed to predict the effect of missense changes on protein structure and function (PolyPhen-2) suggests that this variant is likely to be disruptive. In summary, the available evidence is currently insufficient to determine the role of this variant in disease. Therefore, it has been classified as a Variant of Uncertain Significance.

Blueprint Genetics
Classification: Uncertain significance. Last evaluated: 2023-02-22. Review status: criteria provided, single submitter. Criteria: ACMG Guidelines, 2015. Collection method: clinical testing. Allele origin: germline.

NM_018060.4(IARS2):c.1488A>T (p.Leu496Phe)

Gene: IARS2 (isoleucyl-tRNA synthetase 2, mitochondrial; plus strand). Cytogenetic location: 1q41.
Variant type: single nucleotide variant.
Coding change: c.1488A>T on transcript NM_018060.4 (MANE Select); coding-DNA position 1488, A replaced by T.
Protein change: p.Leu496Phe; replaces leucine 496 with phenylalanine.
Molecular consequence: missense variant.
Genome position (GRCh38, 1-based): chr1:220,114,322, A>T. VCF-style: chr1-220114322-A-T. GRCh37 (hg19) VCF-style: chr1-220287664-A-T.
Other names: short protein forms L496F.
Identifiers: ClinVar variation 1443647 (VCV001443647.8), dbSNP rs1420840874, ClinGen allele CA344635464.